The following is an entry in ClinVar:

NM_152703.5(SAMD9L):c.3889A>C (p.Ser1297Arg)

Gene: SAMD9L (sterile alpha motif domain containing 9 like; minus strand). Cytogenetic location: 7q21.2.
Variant type: single nucleotide variant.
Coding change: c.3889A>C on transcript NM_152703.5 (MANE Select); coding-DNA position 3889, A replaced by C.
Protein change: p.Ser1297Arg; replaces serine 1297 with arginine.
Molecular consequence: missense variant.
Genome position (GRCh38, 1-based): chr7:93,132,083, T>G on the plus strand (A>C on the coding strand, the complement: SAMD9L is on the minus strand). VCF-style: chr7-93132083-T-G. GRCh37 (hg19) VCF-style: chr7-92761396-T-G.
Other names: c.3889A>C, p.Ser1297Arg (NM_001303496.3, NM_001303497.3, NM_001303498.3 and 5 more transcripts); c.3889A>C (NM_152703.2); short protein forms S1297R.
Identifiers: ClinVar variation 2442641 (VCV002442641.3), dbSNP rs1792137178, ClinGen allele CA368179242.

ClinVar aggregate classification (germline): Uncertain significance. Review status: criteria provided, multiple submitters, no conflicts (2 of 4 stars). 3 submissions from 3 submitters: Uncertain significance (3). Last evaluated 2025-01-27.

Conditions:
Inborn genetic diseases. Identifiers: MedGen C0950123, MeSH D030342.
SAMD9L-related disorder. Also called: SAMD9L-related condition; SAMD9L-related disorders.

Allele frequency attached by ClinVar (database versions not stated): gnomAD 0.00001; TOPMed 0.00001.

Submissions (3):

PreventionGenetics, part of Exact Sciences
Classification: Uncertain significance for SAMD9L-related condition. Last evaluated: 2025-01-27. Review status: criteria provided, single submitter. Criteria: ACMG Guidelines, 2015. Collection method: clinical testing. Allele origin: germline.
Comment: The SAMD9L c.3889A>C variant is predicted to result in the amino acid substitution p.Ser1297Arg. To our knowledge, this variant has not been reported in the literature or in a large population database (gnomAD), indicating this variant is rare. At this time, the clinical significance of this variant is uncertain due to the absence of conclusive functional and genetic evidence.

Ambry Genetics
Classification: Uncertain significance for Inborn genetic diseases. Last evaluated: 2024-12-19. Review status: criteria provided, single submitter. Criteria: Ambry Variant Classification Scheme 2023. Collection method: clinical testing. Allele origin: germline.
Comment: The p.S1297R variant (also known as c.3889A>C), located in coding exon 1 of the SAMD9L gene, results from an A to C substitution at nucleotide position 3889. The serine at codon 1297 is replaced by arginine, an amino acid with dissimilar properties. This amino acid position is conserved. In addition, this alteration is predicted to be tolerated by in silico analysis. Based on the available evidence, the clinical significance of this variant remains unclear.

GeneDx
Classification: Uncertain significance. Last evaluated: 2022-08-26. Review status: criteria provided, single submitter. Criteria: GeneDx Variant Classification Process June 2021. Collection method: clinical testing. Allele origin: germline. Affected: yes.
Comment: Not observed at significant frequency in large population cohorts (gnomAD); In silico analysis supports that this missense variant does not alter protein structure/function; Has not been previously published as pathogenic or benign to our knowledge